The following is an entry in ClinVar:

NM_004448.4(ERBB2):c.569G>A (p.Arg190Gln)

Gene: ERBB2 (erb-b2 receptor tyrosine kinase 2; plus strand). Cytogenetic location: 17q12.
Variant type: single nucleotide variant.
Coding change: c.569G>A on transcript NM_004448.4 (MANE Select); coding-DNA position 569, G replaced by A.
Protein change: p.Arg190Gln; replaces arginine 190 with glutamine.
Molecular consequence: missense variant. On other transcripts: non-coding transcript variant (1), intron variant (2).
Genome position (GRCh38, 1-based): chr17:39,709,447, G>A. VCF-style: chr17-39709447-G-A. GRCh37 (hg19) VCF-style: chr17-37865700-G-A.
Other names: c.479G>A, p.Arg160Gln (NM_001005862.3, NM_001289938.2, NM_001382782.1 and 1 more transcripts); c.524G>A, p.Arg175Gln (NM_001289936.2); c.569G>A, p.Arg190Gln (NM_001289937.2, NM_001382784.1, NM_001382785.1 and 17 more transcripts); c.644G>A, p.Arg215Gln (NM_001382787.1); c.560G>A, p.Arg187Gln (NM_001382791.1); c.440-411G>A (NM_001382799.1); c.74-2481G>A (NM_001382804.1); short protein forms R187Q, R215Q, R175Q, R190Q, R160Q.
Identifiers: ClinVar variation 2169611 (VCV002169611.5), dbSNP rs531563820, ClinGen allele CA8533652.

ClinVar aggregate classification (germline): Uncertain significance. Review status: criteria provided, multiple submitters, no conflicts (2 of 4 stars). 2 submissions from 2 submitters: Uncertain significance (2). Last evaluated 2025-10-07.

Conditions:
Lung cancer. Also called: Malignant tumor of lung; Lung cancer, somatic. Identifiers: MedGen C0242379, MONDO:0008903, OMIM 211980.
Glioma susceptibility 1 (GLM1). Also called: Glioblastoma, somatic. Identifiers: MedGen C2750850, MONDO:0024498, OMIM 137800.
Gastric cancer. Also called: Malignant tumor of stomach; Stomach cancer. Identifiers: MedGen C0024623, MeSH D013274, MONDO:0001056, OMIM 613659, HP:0012126.
Ovarian cancer. Also called: OVARIAN CANCER, SOMATIC. Identifiers: Orphanet 213500, MedGen C1140680, MONDO:0008170, OMIM 167000.
Visceral neuropathy, familial, 2, autosomal recessive. Identifiers: MedGen C5561950, MONDO:0030399, OMIM 619465.

Allele frequency attached by ClinVar (database versions not stated): TOPMed 0.00001; ExAC 0.00002; 1000 Genomes Project 30x 0.00016; 1000 Genomes Project 0.00020.
gnomAD v4.1: 42 of 1,613,952 alleles (0.0026%); highest among the groups gnomAD compares: Non-Finnish European, 0.0033%; no homozygotes.

Submissions (2):

Labcorp Genetics (formerly Invitae), Labcorp
Classification: Uncertain significance. Last evaluated: 2025-10-07. Review status: criteria provided, single submitter. Criteria: Invitae Variant Classification Sherloc (09022015). Collection method: clinical testing. Allele origin: germline.
Comment: This sequence change replaces arginine, which is basic and polar, with glutamine, which is neutral and polar, at codon 190 of the ERBB2 protein (p.Arg190Gln). This variant is present in population databases (rs531563820, gnomAD 0.004%). This variant has not been reported in the literature in individuals affected with ERBB2-related conditions. ClinVar contains an entry for this variant (Variation ID: 2169611). Invitae Evidence Modeling of protein sequence and biophysical properties (such as structural, functional, and spatial information, amino acid conservation, physicochemical variation, residue mobility, and thermodynamic stability) indicates that this missense variant is not expected to disrupt ERBB2 protein function with a negative predictive value of 80%. In summary, the available evidence is currently insufficient to determine the role of this variant in disease. Therefore, it has been classified as a Variant of Uncertain Significance.

Fulgent Genetics
Classification: Uncertain significance for Glioma susceptibility 1; Ovarian cancer; Lung cancer; Gastric cancer; Visceral neuropathy, familial, 2, autosomal recessive. Last evaluated: 2024-03-24. Review status: criteria provided, single submitter. Criteria: ACMG Guidelines, 2015. Collection method: clinical testing. Allele origin: germline.